The following is an entry in ClinVar:

ClinVar aggregate classification (germline): Uncertain significance (1 of 4 stars; one submission).

Conditions:
Familial melanoma. Also called: Hereditary melanoma; Hereditary cutaneous melanoma. Identifiers: Orphanet 618, MedGen C1512419, MONDO:0018961.

Submission:

Labcorp Genetics (formerly Invitae), Labcorp
Classification: Uncertain significance for Familial melanoma. Last evaluated: 2023-08-27. Review status: criteria provided, single submitter. Criteria: Invitae Variant Classification Sherloc (09022015). Collection method: clinical testing. Allele origin: germline.
Comment: This sequence change creates a premature translational stop signal (p.Gln98*) in the CDK4 gene. It is expected to result in an absent or disrupted protein product. However, the current clinical and genetic evidence is not sufficient to establish whether loss-of-function variants in CDK4 cause disease. This variant is not present in population databases (gnomAD no frequency). This variant has not been reported in the literature in individuals affected with CDK4-related conditions. In summary, the available evidence is currently insufficient to determine the role of this variant in disease. Therefore, it has been classified as a Variant of Uncertain Significance.

NM_000075.4(CDK4):c.292C>T (p.Gln98Ter)

Gene: CDK4 (cyclin dependent kinase 4; minus strand). Cytogenetic location: 12q14.1.
Variant type: single nucleotide variant.
Coding change: c.292C>T on transcript NM_000075.4 (MANE Select); coding-DNA position 292, C replaced by T.
Protein change: p.Gln98Ter; replaces glutamine 98 with a stop codon.
Molecular consequence: nonsense.
Genome position (GRCh38, 1-based): chr12:57,751,269, G>A on the plus strand (C>T on the coding strand, the complement: CDK4 is on the minus strand). VCF-style: chr12-57751269-G-A. GRCh37 (hg19) VCF-style: chr12-58145052-G-A.
Other names: short protein forms Q98*.
Identifiers: ClinVar variation 2755421 (VCV002755421.3), dbSNP rs2140387363, ClinGen allele CA385547890.